The following is an entry in ClinVar:

NM_006445.4(PRPF8):c.935A>T (p.Tyr312Phe)

Gene: PRPF8 (pre-mRNA processing factor 8; minus strand). Cytogenetic location: 17p13.3.
Variant type: single nucleotide variant.
Coding change: c.935A>T on transcript NM_006445.4 (MANE Select); coding-DNA position 935, A replaced by T.
Protein change: p.Tyr312Phe; replaces tyrosine 312 with phenylalanine.
Molecular consequence: missense variant.
Genome position (GRCh38, 1-based): chr17:1,680,986, T>A on the plus strand (A>T on the coding strand, the complement: PRPF8 is on the minus strand). VCF-style: chr17-1680986-T-A. GRCh37 (hg19) VCF-style: chr17-1584280-T-A.
Other names: short protein forms Y312F.
Identifiers: ClinVar variation 1312088 (VCV001312088.4), dbSNP rs940657634, ClinGen allele CA286815792.
Genomic context (GRCh38, chr17:1,680,986, plus strand): 5'-TACCAGGTGAGGTGGACATGGTGTGGAAGATTGTTGTACAAGTAAGGAAAAGCAATCTTG[T>A]ACTCAGTGCGGATAGGCTGCCGGATGATAATCTTGTTAATATCATTGAATTCATTCCAGT-3'
Protein context (NP_006436.3, residues 302-322): IIIRQPIRTE[Tyr312Phe]KIAFPYLYNN

ClinVar aggregate classification (germline): Uncertain significance. Review status: criteria provided, multiple submitters, no conflicts (2 of 4 stars). 2 submissions from 2 submitters: Uncertain significance (2). Last evaluated 2024-06-21.

Allele frequency attached by ClinVar (database versions not stated): gnomAD exomes below 0.00001 and 0.00001; gnomAD 0.00001; TOPMed 0.00002.
gnomAD v4.1: 4 of 1,613,428 alleles (0.00025%); highest among the groups gnomAD compares: Non-Finnish European, 0.00034%; no homozygotes.

Submissions (2):

Labcorp Genetics (formerly Invitae), Labcorp
Classification: Uncertain significance. Last evaluated: 2024-06-21. Review status: criteria provided, single submitter. Criteria: Invitae Variant Classification Sherloc (09022015). Collection method: clinical testing. Allele origin: germline.
Comment: This sequence change replaces tyrosine, which is neutral and polar, with phenylalanine, which is neutral and non-polar, at codon 312 of the PRPF8 protein (p.Tyr312Phe). This variant is present in population databases (no rsID available, gnomAD 0.002%). This variant has not been reported in the literature in individuals affected with PRPF8-related conditions. ClinVar contains an entry for this variant (Variation ID: 1312088). Advanced modeling of protein sequence and biophysical properties (such as structural, functional, and spatial information, amino acid conservation, physicochemical variation, residue mobility, and thermodynamic stability) performed at Invitae indicates that this missense variant is expected to disrupt PRPF8 protein function with a positive predictive value of 80%. In summary, the available evidence is currently insufficient to determine the role of this variant in disease. Therefore, it has been classified as a Variant of Uncertain Significance.

GeneDx
Classification: Uncertain significance. Last evaluated: 2019-09-13. Review status: criteria provided, single submitter. Criteria: GeneDx Variant Classification Process June 2021. Collection method: clinical testing. Allele origin: germline. Affected: yes.
Comment: Not observed at a significant frequency in large population cohorts (Lek et al., 2016); In silico analysis, which includes protein predictors and evolutionary conservation, supports a deleterious effect; Has not been previously published as pathogenic or benign to our knowledge